The following is an entry in ClinVar:

NM_199420.4(POLQ):c.6124G>C (p.Gly2042Arg)

Gene: POLQ (DNA polymerase theta; minus strand). Cytogenetic location: 3q13.33.
Variant type: single nucleotide variant.
Coding change: c.6124G>C on transcript NM_199420.4 (MANE Select); coding-DNA position 6124, G replaced by C.
Protein change: p.Gly2042Arg; replaces glycine 2042 with arginine.
Molecular consequence: missense variant.
Genome position (GRCh38, 1-based): chr3:121,481,659, C>G on the plus strand (G>C on the coding strand, the complement: POLQ is on the minus strand). VCF-style: chr3-121481659-C-G. GRCh37 (hg19) VCF-style: chr3-121200506-C-G.
Other names: short protein forms G2042R.
Identifiers: ClinVar variation 1751744 (VCV001751744.3), dbSNP rs1456343850, ClinGen allele CA354087774.
Genomic context (GRCh38, chr3:121,481,659, plus strand): 5'-AGTTGAGCTGATTCATAGAGTTGAAGATGAGAATGGACTCCACAGATGCTCTGTATCGCC[C>G]AGAATGCTCACTGCCAGCATTTAGCCCCAGGCTTTGAATCCCTTGGCTGGTCTCCATCCC-3'
Protein context (NP_955452.3, residues 2032-2052): LGLNAGSEHS[Gly2042Arg]RYRASVESIL

ClinVar aggregate classification (germline): Uncertain significance (1 of 4 stars; one submission).

Allele frequency attached by ClinVar (database versions not stated): gnomAD exomes below 0.00001; TOPMed below 0.00001.

Submission:

Ambry Genetics
Classification: Uncertain significance. Last evaluated: 2024-09-30. Review status: criteria provided, single submitter. Criteria: Ambry Variant Classification Scheme 2023. Collection method: clinical testing. Allele origin: germline.
Comment: The p.G2042R variant (also known as c.6124G>C), located in coding exon 19 of the POLQ gene, results from a G to C substitution at nucleotide position 6124. The glycine at codon 2042 is replaced by arginine, an amino acid with dissimilar properties. This amino acid position is conserved. In addition, the in silico prediction for this alteration is inconclusive. Since supporting evidence is limited at this time, the clinical significance of this alteration remains unclear.